The following is an entry in ClinVar:

ClinVar aggregate classification (germline): Conflicting classifications of pathogenicity. Review status: criteria provided, conflicting classifications (1 of 4 stars). 3 submissions from 3 submitters: Uncertain significance (1); Likely benign (2). Last evaluated 2024-05-23.

Conditions:
Idiopathic generalized epilepsy. Also called: Generalised epilepsy; EIG. Identifiers: MedGen C0270850, MONDO:0005579, OMIM 600669.
Hyperaldosteronism, familial, type IV (HALD4). Also called: FH IV; ALDOSTERONISM, PRIMARY, AND HYPERTENSION. Identifiers: Orphanet 642671, MedGen C4310756, MONDO:0014875, OMIM 617027.
Epilepsy, childhood absence, susceptibility to, 6. Identifiers: Orphanet 64280, MedGen C2749872, MONDO:0012763, OMIM 611942.

Allele frequency attached by ClinVar (database versions not stated): ExAC 0.00003; gnomAD 0.00003; TOPMed 0.00003; gnomAD exomes 0.00004.
gnomAD v4.1: 112 of 1,576,360 alleles (0.0071%); highest among the groups gnomAD compares: Non-Finnish European, 0.0094%; no homozygotes.

Submissions (3):

Fulgent Genetics
Classification: Likely benign for Epilepsy, childhood absence, susceptibility to, 6; Hyperaldosteronism, familial, type IV. Last evaluated: 2024-05-23. Review status: criteria provided, single submitter. Criteria: ACMG Guidelines, 2015. Collection method: clinical testing. Allele origin: germline.

GeneDx
Classification: Uncertain significance. Last evaluated: 2024-05-13. Review status: criteria provided, single submitter. Criteria: GeneDx Variant Classification Process June 2021. Collection method: clinical testing. Allele origin: germline. Affected: yes.
Comment: In silico analysis indicates that this missense variant does not alter protein structure/function; Has not been previously published as pathogenic or benign to our knowledge

Labcorp Genetics (formerly Invitae), Labcorp
Classification: Likely benign for Idiopathic generalized epilepsy; Hyperaldosteronism, familial, type IV. Last evaluated: 2022-12-02. Review status: criteria provided, single submitter. Criteria: Invitae Variant Classification Sherloc (09022015). Collection method: clinical testing. Allele origin: germline.

NM_021098.3(CACNA1H):c.6680C>T (p.Pro2227Leu)

Gene: CACNA1H (calcium voltage-gated channel subunit alpha1 H; plus strand). Cytogenetic location: 16p13.3.
Variant type: single nucleotide variant.
Coding change: c.6680C>T on transcript NM_021098.3 (MANE Select); coding-DNA position 6680, C replaced by T.
Protein change: p.Pro2227Leu; replaces proline 2227 with leucine.
Molecular consequence: missense variant.
Genome position (GRCh38, 1-based): chr16:1,220,612, C>T. VCF-style: chr16-1220612-C-T. GRCh37 (hg19) VCF-style: chr16-1270612-C-T.
Other names: c.6662C>T, p.Pro2221Leu (NM_001005407.2); c.6680C>T (NM_021098.2); short protein forms P2221L, P2227L.
Identifiers: ClinVar variation 1439743 (VCV001439743.11), dbSNP rs780870706, ClinGen allele CA7802460.